The following is an entry in ClinVar:

ClinVar aggregate classification (germline): Likely benign (1 of 4 stars; one submission).

Conditions:
PLXNA4-related disorder. Also called: PLXNA4-related condition.

gnomAD v4.1: 1 of 1,614,046 alleles (0.000062%); highest among the groups gnomAD compares: Admixed American, 0.0017%; no homozygotes.

Submission:

PreventionGenetics, part of Exact Sciences
Classification: Likely benign for PLXNA4-related condition. Last evaluated: 2026-06-11. Review status: criteria provided, single submitter. Criteria: ACMG Guidelines, 2015. Collection method: clinical testing. Allele origin: germline.
Comment: This variant is classified as likely benign based on ACMG/AMP sequence variant interpretation guidelines (Richards et al. 2015 PMID: 25741868, with internal and published modifications).

NM_020911.2(PLXNA4):c.888G>C (p.Val296=)

Gene: PLXNA4 (plexin A4; minus strand). Cytogenetic location: 7q32.3.
Variant type: single nucleotide variant.
Coding change: c.888G>C on transcript NM_020911.2 (MANE Select); coding-DNA position 888, G replaced by C.
Protein change: p.Val296=; no amino-acid change (valine 296 retained).
Molecular consequence: synonymous variant.
Genome position (GRCh38, 1-based): chr7:132,507,806, C>G on the plus strand (G>C on the coding strand, the complement: PLXNA4 is on the minus strand). VCF-style: chr7-132507806-C-G. GRCh37 (hg19) VCF-style: chr7-132192565-C-G.
Other names: c.888G>C, p.Val296= (NM_001105543.2, NM_001393897.1, NM_181775.4).
Identifiers: ClinVar variation 4977189 (VCV004977189.1).